The following is an entry in ClinVar:

ClinVar aggregate classification (germline): Uncertain significance (1 of 4 stars; one submission).

Conditions:
Osteogenesis imperfecta type I (OI1). Also called: OI, TYPE I; OSTEOGENESIS IMPERFECTA TARDA; OSTEOGENESIS IMPERFECTA WITH BLUE SCLERAE; Osteogenesis imperfecta type 1; Lobstein's Disease; Lobstein disease. Identifiers: Orphanet 216796, Orphanet 666, MedGen C0023931, MONDO:0008146, OMIM 166200. Disease mechanism: loss of function.
Ehlers-Danlos syndrome, classic type, 1 (EDSCL1). Also called: EHLERS-DANLOS SYNDROME, GRAVIS TYPE; EHLERS-DANLOS SYNDROME, SEVERE CLASSIC TYPE; Ehlers-Danlos syndrome, type 1; EDS I; Ehlers-Danlos Syndrome, Classic Type, COL5A1-Related. Identifiers: MedGen C0268335, MONDO:0019567, OMIM 130000.

gnomAD v4.1: 1 of 1,614,070 alleles (0.000062%); highest among the groups gnomAD compares: Non-Finnish European, 0.000085%; no homozygotes.

Submission:

Labcorp Genetics (formerly Invitae), Labcorp
Classification: Uncertain significance for Osteogenesis imperfecta type I; Ehlers-Danlos syndrome, classic type, 1. Last evaluated: 2024-02-17. Review status: criteria provided, single submitter. Criteria: Invitae Variant Classification Sherloc (09022015). Collection method: clinical testing. Allele origin: germline.
Comment: This sequence change replaces arginine, which is basic and polar, with proline, which is neutral and non-polar, at codon 906 of the COL1A2 protein (p.Arg906Pro). This variant is not present in population databases (gnomAD no frequency). This variant has not been reported in the literature in individuals affected with COL1A2-related conditions. ClinVar contains an entry for this variant (Variation ID: 1347854). Advanced modeling of protein sequence and biophysical properties (such as structural, functional, and spatial information, amino acid conservation, physicochemical variation, residue mobility, and thermodynamic stability) performed at Invitae indicates that this missense variant is not expected to disrupt COL1A2 protein function with a negative predictive value of 95%. In summary, the available evidence is currently insufficient to determine the role of this variant in disease. Therefore, it has been classified as a Variant of Uncertain Significance.

NM_000089.4(COL1A2):c.2717G>C (p.Arg906Pro)

Gene: COL1A2 (collagen type I alpha 2 chain; plus strand). Cytogenetic location: 7q21.3.
Variant type: single nucleotide variant.
Coding change: c.2717G>C on transcript NM_000089.4 (MANE Select); coding-DNA position 2717, G replaced by C.
Protein change: p.Arg906Pro; replaces arginine 906 with proline.
Molecular consequence: missense variant.
Genome position (GRCh38, 1-based): chr7:94,425,160, G>C. VCF-style: chr7-94425160-G-C. GRCh37 (hg19) VCF-style: chr7-94054472-G-C.
Other names: short protein forms R906P.
Identifiers: ClinVar variation 1347854 (VCV001347854.6), dbSNP rs147063981, ClinGen allele CA368224471.